The following is an entry in ClinVar:

ClinVar aggregate classification (germline): Uncertain significance. Review status: criteria provided, multiple submitters, no conflicts (2 of 4 stars). 2 submissions from 2 submitters: Uncertain significance (2). Last evaluated 2024-06-15.

Conditions:
Autosomal dominant limb-girdle muscular dystrophy type 1G (LGMDD3). Also called: Limb-girdle muscular dystrophy, type 1G; MUSCULAR DYSTROPHY, LIMB-GIRDLE, AUTOSOMAL DOMINANT 3. Identifiers: Orphanet 55596, MedGen C1836765, MONDO:0012193, OMIM 609115.

Allele frequency attached by ClinVar (database versions not stated): 1000 Genomes Project 30x 0.00016; 1000 Genomes Project 0.00020.
gnomAD v4.1: 11 of 1,613,574 alleles (0.00068%); highest among the groups gnomAD compares: African/African-American, 0.004%; no homozygotes.

Submissions (2):

Labcorp Genetics (formerly Invitae), Labcorp
Classification: Uncertain significance for Autosomal dominant limb-girdle muscular dystrophy type 1G. Last evaluated: 2024-06-15. Review status: criteria provided, single submitter. Criteria: Invitae Variant Classification Sherloc (09022015). Collection method: clinical testing. Allele origin: germline.
Comment: This sequence change replaces arginine, which is basic and polar, with glycine, which is neutral and non-polar, at codon 106 of the HNRNPDL protein (p.Arg106Gly). This variant is present in population databases (rs140163739, gnomAD 0.008%). This variant has not been reported in the literature in individuals affected with HNRNPDL-related conditions. ClinVar contains an entry for this variant (Variation ID: 2432511). An algorithm developed to predict the effect of missense changes on protein structure and function (PolyPhen-2) suggests that this variant is likely to be tolerated. In summary, the available evidence is currently insufficient to determine the role of this variant in disease. Therefore, it has been classified as a Variant of Uncertain Significance.

Revvity Omics, Revvity
Classification: Uncertain significance for Autosomal dominant limb-girdle muscular dystrophy type 1G. Last evaluated: 2020-01-30. Review status: criteria provided, single submitter. Criteria: ACMG Guidelines, 2015. Collection method: clinical testing. Allele origin: germline.

NM_031372.4(HNRNPDL):c.316C>G (p.Arg106Gly)

Gene: HNRNPDL (heterogeneous nuclear ribonucleoprotein D like; minus strand). Cytogenetic location: 4q21.22.
Variant type: single nucleotide variant.
Coding change: c.316C>G on transcript NM_031372.4 (MANE Select); coding-DNA position 316, C replaced by G.
Protein change: p.Arg106Gly; replaces arginine 106 with glycine.
Molecular consequence: missense variant. On other transcripts: non-coding transcript variant (1).
Genome position (GRCh38, 1-based): chr4:82,429,375, G>C on the plus strand (C>G on the coding strand, the complement: HNRNPDL is on the minus strand). VCF-style: chr4-82429375-G-C. GRCh37 (hg19) VCF-style: chr4-83350528-G-C.
Other names: c.316C>G, p.Arg106Gly (NM_001207000.1); short protein forms R106G.
Identifiers: ClinVar variation 2432511 (VCV002432511.5), dbSNP rs140163739, ClinGen allele CA2985056.
Genomic context (GRCh38, chr4:82,429,375, plus strand): 5'-ACTCGTTCATATCCTCCATAGTGACGGAGCTGTCGGCAGGGGGGTGCTGGCGCGCAGTCC[G>C]GGTCGCGGCAGCAGCGGCGGCGGAGCGTTGTATGGAGCTGGATTTAAAATGGCGGCGGAA-3'
Protein context (NP_112740.1, residues 96-116): QRSAAAAAAT[Arg106Gly]TARQHPPADS